The following is an entry in ClinVar:

ClinVar aggregate classification (germline): Uncertain significance (1 of 4 stars; one submission).

Submission:

Ambry Genetics
Classification: Uncertain significance. Last evaluated: 2025-03-24. Review status: criteria provided, single submitter. Criteria: Ambry Variant Classification Scheme 2023. Collection method: clinical testing. Allele origin: germline.
Comment: The p.Q964R variant (also known as c.2891A>G), located in coding exon 1 of the TET2 gene, results from an A to G substitution at nucleotide position 2891. The glutamine at codon 964 is replaced by arginine, an amino acid with highly similar properties. This amino acid position is conserved. In addition, this alteration is predicted to be tolerated by in silico analysis. Based on the available evidence, the clinical significance of this variant remains unclear.

NM_001127208.3(TET2):c.2891A>G (p.Gln964Arg)

Genes: TET2 (tet methylcytosine dioxygenase 2; plus strand), TET2-AS1 (TET2 antisense RNA 1; minus strand). Cytogenetic location: 4q24.
Variant type: single nucleotide variant.
Coding change: c.2891A>G on transcript NM_001127208.3 (MANE Select); coding-DNA position 2891, A replaced by G.
Protein change: p.Gln964Arg; replaces glutamine 964 with arginine.
Molecular consequence: missense variant.
Genome position (GRCh38, 1-based): chr4:105,236,833, A>G. VCF-style: chr4-105236833-A-G. GRCh37 (hg19) VCF-style: chr4-106157990-A-G.
Other names: c.2891A>G, p.Gln964Arg (NM_017628.4); short protein forms Q964R.
Identifiers: ClinVar variation 3967482 (VCV003967482.1).
Genomic context (GRCh38, chr4:105,236,833, plus strand): 5'-AGGACACTCAAAAGCATGCTGCTCTAAGGTGGCATCTCTTACAGAAGCAAGAACAGCAGC[A>G]AACACAGCAACCCCAAACTGAGTCTTGCCATAGTCAGATGCACAGGCCAATTAAGGTGGA-3'
Protein context (NP_001120680.1, residues 954-974): WHLLQKQEQQ[Gln964Arg]TQQPQTESCH